The following is an entry in ClinVar:

NM_006118.4(HAX1):c.662G>A (p.Gly221Glu)

Gene: HAX1 (HCLS1 associated protein X-1; plus strand). Cytogenetic location: 1q21.3.
Variant type: single nucleotide variant.
Coding change: c.662G>A on transcript NM_006118.4 (MANE Select); coding-DNA position 662, G replaced by A.
Protein change: p.Gly221Glu; replaces glycine 221 with glutamic acid.
Molecular consequence: missense variant.
Genome position (GRCh38, 1-based): chr1:154,275,259, G>A. VCF-style: chr1-154275259-G-A. GRCh37 (hg19) VCF-style: chr1-154247735-G-A.
Other names: c.518G>A, p.Gly173Glu (NM_001018837.2); short protein forms G221E, G173E.
Identifiers: ClinVar variation 4033867 (VCV004033867.1).

ClinVar aggregate classification (germline): Uncertain significance (1 of 4 stars; one submission).

Conditions:
Inborn genetic diseases. Identifiers: MedGen C0950123, MeSH D030342.

gnomAD v4.1: 1 of 1,604,740 alleles (0.000062%); highest among the groups gnomAD compares: Non-Finnish European, 0.000085%; no homozygotes.

Submission:

Ambry Genetics
Classification: Uncertain significance for Inborn genetic diseases. Last evaluated: 2025-05-31. Review status: criteria provided, single submitter. Criteria: Ambry Variant Classification Scheme 2023. Collection method: clinical testing. Allele origin: germline.
Comment: The p.G221E variant (also known as c.662G>A), located in coding exon 5 of the HAX1 gene, results from a G to A substitution at nucleotide position 662. The glycine at codon 221 is replaced by glutamic acid, an amino acid with similar properties. This amino acid position is conserved. In addition, this alteration is predicted to be deleterious by in silico analysis. Based on the available evidence, the clinical significance of this variant remains unclear.